The following is an entry in ClinVar:

ClinVar aggregate classification (germline): Uncertain significance (1 of 4 stars; one submission).

Submission:

Labcorp Genetics (formerly Invitae), Labcorp
Classification: Uncertain significance. Last evaluated: 2023-12-09. Review status: criteria provided, single submitter. Criteria: Invitae Variant Classification Sherloc (09022015). Collection method: clinical testing. Allele origin: germline.
Comment: This sequence change affects codon 1120 of the SLC12A6 mRNA. It is a 'silent' change, meaning that it does not change the encoded amino acid sequence of the SLC12A6 protein. It affects a nucleotide within the consensus splice site. This variant is not present in population databases (gnomAD no frequency). This variant has not been reported in the literature in individuals affected with SLC12A6-related conditions. Algorithms developed to predict the effect of sequence changes on RNA splicing suggest that this variant is not likely to affect RNA splicing. In summary, the available evidence is currently insufficient to determine the role of this variant in disease. Therefore, it has been classified as a Variant of Uncertain Significance.

NM_001365088.1(SLC12A6):c.3360C>T (p.Asn1120=)

Gene: SLC12A6 (solute carrier family 12 member 6; minus strand). Cytogenetic location: 15q14.
Variant type: single nucleotide variant.
Coding change: c.3360C>T on transcript NM_001365088.1 (MANE Select); coding-DNA position 3360, C replaced by T.
Protein change: p.Asn1120=; no amino-acid change (asparagine 1120 retained).
Molecular consequence: synonymous variant.
Genome position (GRCh38, 1-based): chr15:34,235,182, G>A on the plus strand (C>T on the coding strand, the complement: SLC12A6 is on the minus strand). VCF-style: chr15-34235182-G-A. GRCh37 (hg19) VCF-style: chr15-34527383-G-A.
Other names: c.3183C>T, p.Asn1061= (NM_001042494.2, NM_001042495.2); c.3333C>T, p.Asn1111= (NM_001042496.2); c.3315C>T, p.Asn1105= (NM_001042497.2); c.3207C>T, p.Asn1069= (NM_005135.2); c.3360C>T, p.Asn1120= (NM_133647.2).
Identifiers: ClinVar variation 2778841 (VCV002778841.3), dbSNP rs2509739251, ClinGen allele CA489410445.
Genomic context (GRCh38, chr15:34,235,182, plus strand): 5'-TCTCAGAAAGAGGTTAAGGAGATTTTCCCTACTGGAAGCCCCACTCTTGGAAAGGATACA[G>A]TTTTCATCACCCTCAGGGTTTCGGGGTGGCCCTGGCATATTCAATAAAACCAGCTTTGCT-3'
Protein context (NP_001352017.1, residues 1110-1130): GPPRNPEGDE[Asn1120=]YMEFLEVLTE